The following is an entry in ClinVar:

ClinVar aggregate classification (germline): Uncertain significance (1 of 4 stars; one submission).

Allele frequency attached by ClinVar (database versions not stated): TOPMed 0.00002; ExAC 0.00006; 1000 Genomes Project 30x 0.00016; 1000 Genomes Project 0.00020.
gnomAD v4.1: 89 of 1,613,666 alleles (0.0055%); highest among the groups gnomAD compares: South Asian, 0.0077%; no homozygotes.

Submission:

Labcorp Genetics (formerly Invitae), Labcorp
Classification: Uncertain significance. Last evaluated: 2025-03-17. Review status: criteria provided, single submitter. Criteria: Invitae Variant Classification Sherloc (09022015). Collection method: clinical testing. Allele origin: germline.
Comment: This sequence change replaces phenylalanine, which is neutral and non-polar, with leucine, which is neutral and non-polar, at codon 954 of the VCAN protein (p.Phe954Leu). This variant is present in population databases (rs201060896, gnomAD 0.007%). This variant has not been reported in the literature in individuals affected with VCAN-related conditions. ClinVar contains an entry for this variant (Variation ID: 1937867). An algorithm developed to predict the effect of missense changes on protein structure and function (PolyPhen-2) suggests that this variant is likely to be disruptive. In summary, the available evidence is currently insufficient to determine the role of this variant in disease. Therefore, it has been classified as a Variant of Uncertain Significance.

NM_004385.5(VCAN):c.2862T>G (p.Phe954Leu)

Gene: VCAN (versican; plus strand). Cytogenetic location: 5q14.3.
Variant type: single nucleotide variant.
Coding change: c.2862T>G on transcript NM_004385.5 (MANE Select); coding-DNA position 2862, T replaced by G.
Protein change: p.Phe954Leu; replaces phenylalanine 954 with leucine.
Molecular consequence: missense variant. On other transcripts: intron variant (2).
Genome position (GRCh38, 1-based): chr5:83,521,168, T>G. VCF-style: chr5-83521168-T-G. GRCh37 (hg19) VCF-style: chr5-82816987-T-G.
Other names: c.2862T>G, p.Phe954Leu (NM_001164098.2); c.1042+8772T>G (NM_001164097.2, NM_001126336.3); short protein forms F954L.
Identifiers: ClinVar variation 1937867 (VCV001937867.5), dbSNP rs201060896, ClinGen allele CA3332905.